The following is an entry in ClinVar:

ClinVar aggregate classification (germline): Likely benign (0 of 4 stars; one submission).

Conditions:
MYH8-related disorder. Also called: MYH8-related condition.

gnomAD v4.1: 2 of 1,614,244 alleles (0.00012%); highest among the groups gnomAD compares: South Asian, 0.0011%; no homozygotes.

Submission:

PreventionGenetics, part of Exact Sciences
Classification: Likely benign for MYH8-related condition. Last evaluated: 2024-03-13. Review status: no assertion criteria provided. Collection method: clinical testing. Allele origin: germline.
Comment: This variant is classified as likely benign based on ACMG/AMP sequence variant interpretation guidelines (Richards et al. 2015 PMID: 25741868, with internal and published modifications).

NM_002472.3(MYH8):c.105T>C (p.Asp35=)

Genes: MYH8 (myosin heavy chain 8; minus strand), MYHAS (myosin heavy chain gene cluster antisense RNA; plus strand). Cytogenetic location: 17p13.1.
Variant type: single nucleotide variant.
Coding change: c.105T>C on transcript NM_002472.3 (MANE Select); coding-DNA position 105, T replaced by C.
Protein change: p.Asp35=; no amino-acid change (aspartic acid 35 retained).
Molecular consequence: synonymous variant.
Genome position (GRCh38, 1-based): chr17:10,420,123, A>G on the plus strand (T>C on the coding strand, the complement: MYH8 is on the minus strand). VCF-style: chr17-10420123-A-G. GRCh37 (hg19) VCF-style: chr17-10323440-A-G.
Identifiers: ClinVar variation 3348061 (VCV003348061.1).